The following is an entry in ClinVar:

ClinVar aggregate classification (germline): Benign/Likely benign. Review status: criteria provided, multiple submitters, no conflicts (2 of 4 stars). 4 submissions from 4 submitters: Benign (1); Likely benign (3). Last evaluated 2025-11-10.

Conditions:
Multiple endocrine neoplasia, type 2 (MEN2). Identifiers: Orphanet 653, MedGen C4048306, MONDO:0019003. Disease mechanism: gain of function.
Multiple endocrine neoplasia type 2A. Also called: MULTIPLE ENDOCRINE NEOPLASIA, TYPE IIA; PTC SYNDROME; SIPPLE SYNDROME; MEN 2A; MEN-2A syndrome; Pheochromocytoma and amyloid producing medullary thyroid carcinoma. Identifiers: Orphanet 247698, Orphanet 653, MedGen C0025268, MeSH D018813, MONDO:0008234, OMIM 171400.
Hereditary cancer-predisposing syndrome. Also called: Neoplastic Syndromes, Hereditary; Tumor predisposition; Hereditary Cancer Syndrome; Hereditary neoplastic syndrome. Identifiers: Orphanet 140162, MedGen C0027672, MeSH D009386, MONDO:0015356.

Allele frequency attached by ClinVar (database versions not stated): TOPMed below 0.00001; gnomAD exomes 0.00001.
gnomAD v4.1: 8 of 1,613,882 alleles (0.0005%); highest among the groups gnomAD compares: South Asian, 0.0011%; no homozygotes.

Submissions (4):

Labcorp Genetics (formerly Invitae), Labcorp
Classification: Likely benign for Multiple endocrine neoplasia, type 2. Last evaluated: 2025-11-10. Review status: criteria provided, single submitter. Criteria: Invitae Variant Classification Sherloc (09022015). Collection method: clinical testing. Allele origin: germline.

Myriad Genetics, Inc.
Classification: Benign for Multiple endocrine neoplasia type 2A. Last evaluated: 2025-02-26. Review status: criteria provided, single submitter. Criteria: Myriad Autosomal Dominant, Autosomal Recessive and X-Linked Classification Criteria (2023). Collection method: clinical testing. Allele origin: unknown.
Comment: This variant is considered benign. This variant is a silent/synonymous amino acid change and it is not expected to impact splicing.

Blueprint Genetics
Classification: Likely benign. Last evaluated: 2024-02-14. Review status: criteria provided, single submitter. Criteria: ACMG Guidelines, 2015. Collection method: clinical testing. Allele origin: germline.

Ambry Genetics
Classification: Likely benign for Hereditary cancer-predisposing syndrome. Last evaluated: 2022-01-27. Review status: criteria provided, single submitter. Criteria: Ambry Variant Classification Scheme 2023. Collection method: clinical testing. Allele origin: germline.

NM_020975.6(RET):c.2373T>C (p.Tyr791=)

Gene: RET (ret proto-oncogene; plus strand). Cytogenetic location: 10q11.21.
Variant type: single nucleotide variant.
Coding change: c.2373T>C on transcript NM_020975.6 (MANE Select); coding-DNA position 2373, T replaced by C.
Protein change: p.Tyr791=; no amino-acid change (tyrosine 791 retained).
Molecular consequence: synonymous variant.
Genome position (GRCh38, 1-based): chr10:43,118,461, T>C. VCF-style: chr10-43118461-T-C. GRCh37 (hg19) VCF-style: chr10-43613909-T-C.
Other names: c.2373T>C, p.Tyr791= (NM_000323.2, NM_001406743.1, NM_001406744.1 and 4 more transcripts); c.1611T>C, p.Tyr537= (NM_001355216.2); c.2244T>C, p.Tyr748= (NM_001406761.1, NM_001406762.1, NM_001406764.1); c.2238T>C, p.Tyr746= (NM_001406763.1, NM_001406765.1); c.2085T>C, p.Tyr695= (NM_001406766.1, NM_001406767.1, NM_001406770.1); c.2109T>C, p.Tyr703= (NM_001406768.1); c.1977T>C, p.Tyr659= (NM_001406769.1, NM_001406772.1); c.1935T>C, p.Tyr645= (NM_001406771.1, NM_001406773.1); and 10 more.
Identifiers: ClinVar variation 543789 (VCV000543789.14), dbSNP rs1554819406, ClinGen allele CA469028192.
Genomic context (GRCh38, chr10:43,118,461, plus strand): 5'-CCTGCTGTCAGAGTTCAACGTCCTGAAGCAGGTCAACCACCCACATGTCATCAAATTGTA[T>C]GGGGCCTGCAGCCAGGATGGTAAGGCCAGCTGCAGGGTGAGGTGGGCAGCCACTGCACCC-3'
Protein context (NP_066124.1, residues 781-801): QVNHPHVIKL[Tyr791=]GACSQDGPLL